The following is an entry in ClinVar:

NM_024876.4(COQ8B):c.1125T>C (p.Tyr375=)

Gene: COQ8B (coenzyme Q8B; minus strand). Cytogenetic location: 19q13.2.
Variant type: single nucleotide variant.
Coding change: c.1125T>C on transcript NM_024876.4 (MANE Select); coding-DNA position 1125, T replaced by C.
Protein change: p.Tyr375=; no amino-acid change (tyrosine 375 retained).
Molecular consequence: synonymous variant.
Genome position (GRCh38, 1-based): chr19:40,700,085, A>G on the plus strand (T>C on the coding strand, the complement: COQ8B is on the minus strand). VCF-style: chr19-40700085-A-G. GRCh37 (hg19) VCF-style: chr19-41205990-A-G.
Other names: c.1002T>C, p.Tyr334= (NM_001142555.3).
Identifiers: ClinVar variation 509446 (VCV000509446.10), dbSNP rs78185540, ClinGen allele CA9450150.

ClinVar aggregate classification (germline): Likely benign. Review status: criteria provided, multiple submitters, no conflicts (2 of 4 stars). 2 submissions from 2 submitters: Likely benign (2). Last evaluated 2025-09-02.

Allele frequency attached by ClinVar (database versions not stated): gnomAD exomes 0.00012; ExAC 0.00019; gnomAD 0.00025; TOPMed 0.00043; ESP Exome Variant Server 0.00069; 1000 Genomes Project 0.00120; 1000 Genomes Project 30x 0.00172.
gnomAD v4.1: 145 of 1,614,244 alleles (0.009%); highest among the groups gnomAD compares: African/African-American, 0.18%; no homozygotes.

Submissions (2):

Labcorp Genetics (formerly Invitae), Labcorp
Classification: Likely benign. Last evaluated: 2025-09-02. Review status: criteria provided, single submitter. Criteria: Invitae Variant Classification Sherloc (09022015). Collection method: clinical testing. Allele origin: germline.

GeneDx
Classification: Likely benign. Last evaluated: 2017-05-22. Review status: criteria provided, single submitter. Criteria: GeneDx Variant Classification (06012015). Collection method: clinical testing. Allele origin: germline. Affected: yes.
Comment: This variant is considered likely benign or benign based on one or more of the following criteria: it is a conservative change, it occurs at a poorly conserved position in the protein, it is predicted to be benign by multiple in silico algorithms, and/or has population frequency not consistent with disease.